The following is an entry in ClinVar:

ClinVar aggregate classification (germline): Uncertain significance (1 of 4 stars; one submission).

Submission:

Dasa
Classification: Uncertain significance. Last evaluated: 2026-02-05. Review status: criteria provided, single submitter. Criteria: DASA Assertion Criteria. Collection method: clinical testing. Allele origin: germline.
Comment: NM_001205293.3(CACNA1E):c.1815T>A (p.Ser605Arg) is a missense variant that results in the substitution of serine with arginine. This variant is absent from population databases. Computational prediction algorithms are consistent with a deleterious effect. The currently available literature and clinical evidence are not sufficient to establish a definitive association between this variant and the reported condition. Therefore, this variant is classified as a variant of uncertain significance.

NM_001205293.3(CACNA1E):c.1815T>A (p.Ser605Arg)

Gene: CACNA1E (calcium voltage-gated channel subunit alpha1 E; plus strand). Cytogenetic location: 1q25.3.
Variant type: single nucleotide variant.
Coding change: c.1815T>A on transcript NM_001205293.3 (MANE Select); coding-DNA position 1815, T replaced by A.
Protein change: p.Ser605Arg; replaces serine 605 with arginine.
Molecular consequence: missense variant.
Genome position (GRCh38, 1-based): chr1:181,720,269, T>A. VCF-style: chr1-181720269-T-A. GRCh37 (hg19) VCF-style: chr1-181689405-T-A.
Other names: c.1815T>A, p.Ser605Arg (NM_000721.4, NM_001205294.2); short protein forms S605R.
Identifiers: ClinVar variation 5020714 (VCV005020714.1).
Genomic context (GRCh38, chr1:181,720,269, plus strand): 5'-TTGGGCTTCCCTACGGAATTTGGTGGTCTCCTTGATGAGCTCAATGAAGTCTATCATCAG[T>A]TTGCTTTTCCTCCTCTTCCTCTTCATCGTTGTCTTTGCTCTCCTAGGAATGCAGTTATTT-3'
Protein context (NP_001192222.1, residues 595-615): SLMSSMKSII[Ser605Arg]LLFLLFLFIV